The following is an entry in ClinVar:

ClinVar aggregate classification (germline): Uncertain significance (1 of 4 stars; one submission).

Allele frequency attached by ClinVar (database versions not stated): gnomAD 0.00003 and 0.00005; TOPMed 0.00004; ESP Exome Variant Server 0.00008; gnomAD exomes 0.00009 and 0.00021; ExAC 0.00064.
gnomAD v4.1: 132 of 1,559,812 alleles (0.0085%); highest among the groups gnomAD compares: South Asian, 0.1%; no homozygotes.

Submission:

Laboratory for Molecular Medicine, Mass General Brigham Personalized Medicine
Classification: Uncertain significance. Last evaluated: 2014-08-19. Review status: criteria provided, single submitter. Criteria: LMM Criteria. Collection method: clinical testing. Allele origin: germline. Observed: 1 variant allele.
Comment: The Arg388Trp variant in KCNQ4 has not been previously reported in individuals w ith hearing loss, but has been identified in 1/8354 of European American chromos omes by the NHLBI Exome Sequencing Project (d bSNP rs371079509). Computational prediction tools and conservation analysis sugg est that this variant may impact the protein, though this information is not pre dictive enough to determine pathogenicity. In summary, additional information is needed to fully assess the clinical significance of this variant.

NM_004700.4(KCNQ4):c.1162C>T (p.Arg388Trp)

Gene: KCNQ4 (potassium voltage-gated channel subfamily Q member 4; plus strand). Cytogenetic location: 1p34.2.
Variant type: single nucleotide variant.
Coding change: c.1162C>T on transcript NM_004700.4 (MANE Select); coding-DNA position 1162, C replaced by T.
Protein change: p.Arg388Trp; replaces arginine 388 with tryptophan.
Molecular consequence: missense variant. On other transcripts: intron variant (1).
Genome position (GRCh38, 1-based): chr1:40,824,128, C>T. VCF-style: chr1-40824128-C-T. GRCh37 (hg19) VCF-style: chr1-41289800-C-T.
Other names: c.1130+1726C>T (NM_172163.3); short protein forms R388W.
Identifiers: ClinVar variation 163751 (VCV000163751.4), dbSNP rs371079509, ClinGen allele CA176473.